The following is an entry in ClinVar:

ClinVar aggregate classification (germline): Uncertain significance. Review status: criteria provided, multiple submitters, no conflicts (2 of 4 stars). 6 submissions from 6 submitters: Uncertain significance (6). Last evaluated 2025-08-05.

Conditions:
Cardiovascular phenotype. Identifiers: MedGen CN230736.
Dilated cardiomyopathy 1G (CMD1G). Identifiers: Orphanet 154, MedGen C1858763, MONDO:0011400, OMIM 604145.
Autosomal recessive limb-girdle muscular dystrophy type 2J (LGMDR10). Also called: Limb-girdle muscular dystrophy, type 2J; MUSCULAR DYSTROPHY, LIMB-GIRDLE, AUTOSOMAL RECESSIVE 10. Identifiers: Orphanet 140922, MedGen C1837342, MONDO:0012127, OMIM 608807.
Myopathy, myofibrillar, 9, with early respiratory failure (MFM9). Also called: MYOPATHY, PROXIMAL, WITH EARLY RESPIRATORY MUSCLE INVOLVEMENT; EDSTROM MYOPATHY; Hereditary myopathy with early respiratory failure; Myopathy, distal, with early respiratory failure, autosomal dominant. Identifiers: Orphanet 178464, Orphanet 34521, MedGen C1863599, MONDO:0011362, OMIM 603689.
Hypertrophic cardiomyopathy 9. Also called: Familial hypertrophic cardiomyopathy 9. Identifiers: MedGen C1861065, MONDO:0013412, OMIM 613765.
Tibial muscular dystrophy (TMD). Also called: UDD MYOPATHY; Tibial muscular dystrophy, tardive; Udd Distal Myopathy – Tibial Muscular Dystrophy. Identifiers: Orphanet 609, MedGen C1838244, MONDO:0010870, OMIM 600334.
Early-onset myopathy with fatal cardiomyopathy (CMYO5). Also called: Salih Myopathy; CONGENITAL MYOPATHY 5 WITH CARDIOMYOPATHY. Identifiers: Orphanet 289377, MedGen C2673677, MONDO:0012714, OMIM 611705. Disease mechanism: loss of function.

Allele frequency attached by ClinVar (database versions not stated): gnomAD 0.00001; gnomAD exomes 0.00001 and 0.00002; TOPMed 0.00001.
gnomAD v4.1: 28 of 1,577,642 alleles (0.0018%); highest among the groups gnomAD compares: South Asian, 0.007%; no homozygotes.

Submissions (6):

Ambry Genetics
Classification: Uncertain significance for Cardiovascular phenotype. Last evaluated: 2025-08-05. Review status: criteria provided, single submitter. Criteria: Ambry Variant Classification Scheme 2023. Collection method: clinical testing. Allele origin: germline.
Comment: The c.13363+4T>C intronic variant results from a T to C substitution 4 nucleotides after coding exon 46 in the TTN gene. This nucleotide position is not well conserved in available vertebrate species. In silico splice site analysis predicts that this alteration will not have any significant effect on splicing. Based on the available evidence, the clinical significance of this variant remains unclear.

Women's Health and Genetics/Laboratory Corporation of America, LabCorp
Classification: Uncertain significance. Last evaluated: 2023-02-20. Review status: criteria provided, single submitter. Criteria: LabCorp Variant Classification Summary - May 2015. Collection method: clinical testing. Allele origin: germline.

Revvity Omics, Revvity
Classification: Uncertain significance. Last evaluated: 2021-09-07. Review status: criteria provided, single submitter. Criteria: ACMG Guidelines, 2015. Collection method: clinical testing. Allele origin: germline.

Fulgent Genetics
Classification: Uncertain significance for Tibial muscular dystrophy; Myopathy, myofibrillar, 9, with early respiratory failure; Dilated cardiomyopathy 1G; Autosomal recessive limb-girdle muscular dystrophy type 2J; Early-onset myopathy with fatal cardiomyopathy; Hypertrophic cardiomyopathy 9. Last evaluated: 2021-07-21. Review status: criteria provided, single submitter. Criteria: ACMG Guidelines, 2015. Collection method: clinical testing. Allele origin: unknown.

Labcorp Genetics (formerly Invitae), Labcorp
Classification: Uncertain significance for Dilated cardiomyopathy 1G; Autosomal recessive limb-girdle muscular dystrophy type 2J. Last evaluated: 2017-06-20. Review status: criteria provided, single submitter. Criteria: Invitae Variant Classification Sherloc (09022015). Collection method: clinical testing. Allele origin: germline.

Eurofins Ntd Llc (ga)
Classification: Uncertain significance. Last evaluated: 2013-05-31. Review status: criteria provided, single submitter. Criteria: EGL Classification Definitions 2015. Collection method: clinical testing. Allele origin: germline. Observed: 1 variant allele, 1 heterozygote.

NM_001267550.2(TTN):c.40558+4T>C

Gene: TTN (titin; minus strand). Cytogenetic location: 2q31.2.
Variant type: single nucleotide variant.
Coding change: c.40558+4T>C on transcript NM_001267550.2 (MANE Select); 4 bases into the intron after coding-DNA position 40558, T replaced by C.
Molecular consequence: intron variant.
Genome position (GRCh38, 1-based): chr2:178,642,233, A>G on the plus strand (T>C on the coding strand, the complement: TTN is on the minus strand). VCF-style: chr2-178642233-A-G. GRCh37 (hg19) VCF-style: chr2-179506960-A-G.
Other names: c.13363+4T>C (NM_003319.4); c.13939+4T>C (NM_133437.4); c.13738+4T>C (NM_133432.3); c.32854+4T>C (NM_133378.4); c.35635+4T>C (NM_001256850.1).
Identifiers: ClinVar variation 96286 (VCV000096286.15), dbSNP rs398124451, ClinGen allele CA223939.